The following is an entry in ClinVar:

ClinVar aggregate classification (germline): Uncertain significance (1 of 4 stars; one submission).

Conditions:
Hereditary cancer-predisposing syndrome. Also called: Hereditary neoplastic syndrome; Neoplastic Syndromes, Hereditary; Tumor predisposition; Hereditary Cancer Syndrome. Identifiers: Orphanet 140162, MedGen C0027672, MeSH D009386, MONDO:0015356.

Submission:

Ambry Genetics
Classification: Uncertain significance for Hereditary cancer-predisposing syndrome. Last evaluated: 2025-07-25. Review status: criteria provided, single submitter. Criteria: Ambry Variant Classification Scheme 2023. Collection method: clinical testing. Allele origin: germline.
Comment: The p.K746N variant (also known as c.2238A>C), located in coding exon 14 of the PTCH1 gene, results from an A to C substitution at nucleotide position 2238. The lysine at codon 746 is replaced by asparagine, an amino acid with similar properties. This amino acid position is conserved. In addition, this alteration is predicted to be tolerated by in silico analysis. Based on the available evidence, the clinical significance of this variant remains unclear.

NM_000264.5(PTCH1):c.2238A>C (p.Lys746Asn)

Genes: PTCH1 (patched 1; minus strand), LOC100507346 (uncharacterized LOC100507346; plus strand). Cytogenetic location: 9q22.32.
Variant type: single nucleotide variant.
Coding change: c.2238A>C on transcript NM_000264.5 (MANE Select); coding-DNA position 2238, A replaced by C.
Protein change: p.Lys746Asn; replaces lysine 746 with asparagine.
Molecular consequence: missense variant. On other transcripts: non-coding transcript variant (2).
Genome position (GRCh38, 1-based): chr9:95,468,763, T>G on the plus strand (A>C on the coding strand, the complement: PTCH1 is on the minus strand). VCF-style: chr9-95468763-T-G. GRCh37 (hg19) VCF-style: chr9-98231045-T-G.
Other names: c.2040A>C, p.Lys680Asn (NM_001083602.3); c.2235A>C, p.Lys745Asn (NM_001083603.3); c.1785A>C, p.Lys595Asn (NM_001083604.3, NM_001083605.3, NM_001083606.3 and 1 more transcripts); c.2082A>C, p.Lys694Asn (NM_001354918.2); short protein forms K595N, K694N, K745N, K680N, K746N.
Identifiers: ClinVar variation 4146872 (VCV004146872.1).
Genomic context (GRCh38, chr9:95,468,763, plus strand): 5'-CTGTTATTTTTTTGAAGACAGGAAGAGCCTTAAGTTGTGGCAGATTACCTTGGCTTTTGG[T>G]TTCAAGAGGAAAGGAGCATAGTGCTTCTCAGCAAAAGATGAGAGTGTCCACTTCGTACAG-3'
Protein context (NP_000255.2, residues 736-756): AEKHYAPFLL[Lys746Asn]PKAKVVVIFL